The following is an entry in ClinVar:

NM_199420.4(POLQ):c.7595G>C (p.Gly2532Ala)

Gene: POLQ (DNA polymerase theta; minus strand). Cytogenetic location: 3q13.33.
Variant type: single nucleotide variant.
Coding change: c.7595G>C on transcript NM_199420.4 (MANE Select); coding-DNA position 7595, G replaced by C.
Protein change: p.Gly2532Ala; replaces glycine 2532 with alanine.
Molecular consequence: missense variant.
Genome position (GRCh38, 1-based): chr3:121,432,982, C>G on the plus strand (G>C on the coding strand, the complement: POLQ is on the minus strand). VCF-style: chr3-121432982-C-G. GRCh37 (hg19) VCF-style: chr3-121151829-C-G.
Other names: short protein forms G2532A.
Identifiers: ClinVar variation 3230165 (VCV003230165.1), dbSNP rs752078167, ClinGen allele CA2562125.

ClinVar aggregate classification (germline): Uncertain significance (1 of 4 stars; one submission).

Allele frequency attached by ClinVar (database versions not stated): TOPMed below 0.00001; ExAC 0.00001.
gnomAD v4.1: 1 of 1,613,010 alleles (0.000062%); highest among the groups gnomAD compares: Admixed American, 0.0017%; no homozygotes.

Submission:

Ambry Genetics
Classification: Uncertain significance. Last evaluated: 2023-11-04. Review status: criteria provided, single submitter. Criteria: Ambry Variant Classification Scheme 2023. Collection method: clinical testing. Allele origin: germline.
Comment: The p.G2532A variant (also known as c.7595G>C), located in coding exon 29 of the POLQ gene, results from a G to C substitution at nucleotide position 7595. The glycine at codon 2532 is replaced by alanine, an amino acid with similar properties. This amino acid position is conserved. In addition, this alteration is predicted to be tolerated by in silico analysis. Since supporting evidence is limited at this time, the clinical significance of this alteration remains unclear.